The following is an entry in ClinVar:

ClinVar aggregate classification (germline): Likely benign (1 of 4 stars; one submission).

Conditions:
Deficiency of 2-methylbutyryl-CoA dehydrogenase (ACADSB). Also called: 2-methylbutyryl-CoA dehydrogenase deficiency; SBCAD deficiency; 2-methylbutyric aciduria; Short branched-chain acyl-CoA dehydrogenase deficiency; 2-methylbutyrylglycinuria. Identifiers: Orphanet 79157, MedGen C1864912, MONDO:0012392, OMIM 610006, HP:0020147.

Allele frequency attached by ClinVar (database versions not stated): gnomAD exomes 0.00004; gnomAD 0.00016 and 0.00024; TOPMed 0.00017; 1000 Genomes Project 0.00240; 1000 Genomes Project 30x 0.00250.
gnomAD v4.1: 39 of 177,452 alleles (0.022%); highest among the groups gnomAD compares: East Asian, 0.63%; no homozygotes.

Submission:

Illumina Laboratory Services, Illumina
Classification: Likely benign for Deficiency of 2-methylbutyryl-CoA dehydrogenase. Last evaluated: 2018-01-12. Review status: criteria provided, single submitter. Criteria: ICSL Variant Classification Criteria 13 December 2019. Collection method: clinical testing. Allele origin: germline.
Comment: This variant was observed in the ICSL laboratory as part of a predisposition screen in an ostensibly healthy population. It had not been previously curated by ICSL or reported in the Human Gene Mutation Database (HGMD: prior to June 1st, 2018), and was therefore a candidate for classification through an automated scoring system. Utilizing variant allele frequency, disease prevalence and penetrance estimates, and inheritance mode, an automated score was calculated to assess if this variant is too frequent to cause the disease. Based on the score and internal cut-off values, a variant classified as likely benign is not then subjected to further curation. The score for this variant resulted in a classification of likely benign for this disease.

NM_001609.4(ACADSB):c.*1445A>T

Gene: ACADSB (acyl-CoA dehydrogenase short/branched chain; plus strand). Cytogenetic location: 10q26.13.
Variant type: single nucleotide variant.
Coding change: c.*1445A>T on transcript NM_001609.4 (MANE Select); 1445 bases downstream of the stop codon, A replaced by T.
Molecular consequence: 3 prime UTR variant.
Genome position (GRCh38, 1-based): chr10:123,055,210, A>T. VCF-style: chr10-123055210-A-T. GRCh37 (hg19) VCF-style: chr10-124814726-A-T.
Other names: c.*1445A>T (NM_001330174.3).
Identifiers: ClinVar variation 299112 (VCV000299112.5), dbSNP rs182952282, ClinGen allele CA10634869.